The following is an entry in ClinVar:

ClinVar aggregate classification (germline): Likely benign. Review status: criteria provided, multiple submitters, no conflicts (2 of 4 stars). 4 submissions from 4 submitters: Likely benign (4). Last evaluated 2025-04-09.

Conditions:
Cardiovascular phenotype. Identifiers: MedGen CN230736.

Allele frequency attached by ClinVar (database versions not stated): gnomAD 0.00001; TOPMed 0.00001; ExAC 0.00002; gnomAD exomes 0.00002; 1000 Genomes Project 30x 0.00016; 1000 Genomes Project 0.00020.
gnomAD v4.1: 17 of 1,613,166 alleles (0.0011%); highest among the groups gnomAD compares: East Asian, 0.0089%; no homozygotes.

Submissions (4):

Molecular Diagnostic Laboratory for Inherited Cardiovascular Disease, Montreal Heart Institute
Classification: Likely benign. Last evaluated: 2025-04-09. Review status: criteria provided, single submitter. Criteria: ACMG Guidelines, 2015. Collection method: clinical testing. Allele origin: germline. Affected: no.

Blueprint Genetics
Classification: Likely benign. Last evaluated: 2024-01-09. Review status: criteria provided, single submitter. Criteria: ACMG Guidelines, 2015. Collection method: clinical testing. Allele origin: germline.

Ambry Genetics
Classification: Likely benign for Cardiovascular phenotype. Last evaluated: 2023-01-13. Review status: criteria provided, single submitter. Criteria: Ambry Variant Classification Scheme 2023. Collection method: clinical testing. Allele origin: germline.

GeneDx
Classification: Likely benign. Last evaluated: 2017-12-11. Review status: criteria provided, single submitter. Criteria: GeneDx Variant Classification (06012015). Collection method: clinical testing. Allele origin: germline. Affected: yes.
Comment: This variant is considered likely benign or benign based on one or more of the following criteria: it is a conservative change, it occurs at a poorly conserved position in the protein, it is predicted to be benign by multiple in silico algorithms, and/or has population frequency not consistent with disease.

NM_001267550.2(TTN):c.41487C>T (p.Gly13829=)

Gene: TTN (titin; minus strand). Cytogenetic location: 2q31.2.
Variant type: single nucleotide variant.
Coding change: c.41487C>T on transcript NM_001267550.2 (MANE Select); coding-DNA position 41487, C replaced by T.
Protein change: p.Gly13829=; no amino-acid change (glycine 13829 retained).
Molecular consequence: synonymous variant.
Genome position (GRCh38, 1-based): chr2:178,636,084, G>A on the plus strand (C>T on the coding strand, the complement: TTN is on the minus strand). VCF-style: chr2-178636084-G-A. GRCh37 (hg19) VCF-style: chr2-179500811-G-A.
Other names: c.36564C>T, p.Gly12188= (NM_001256850.1); c.14292C>T, p.Gly4764= (NM_003319.4); c.33783C>T, p.Gly11261= (NM_133378.4); c.14667C>T, p.Gly4889= (NM_133432.3); c.14868C>T, p.Gly4956= (NM_133437.4).
Identifiers: ClinVar variation 514106 (VCV000514106.5), dbSNP rs531726095, ClinGen allele CA1996254.